The following is an entry in ClinVar:

ClinVar aggregate classification (germline): Uncertain significance. Review status: criteria provided, multiple submitters, no conflicts (2 of 4 stars). 3 submissions from 3 submitters: Uncertain significance (3). Last evaluated 2026-05-20.

Conditions:
Cardiovascular phenotype. Identifiers: MedGen CN230736.
Hereditary cancer-predisposing syndrome. Also called: Tumor predisposition; Hereditary Cancer Syndrome; Neoplastic Syndromes, Hereditary; Hereditary neoplastic syndrome. Identifiers: Orphanet 140162, MedGen C0027672, MeSH D009386, MONDO:0015356.
Neurofibromatosis, type 1 (NF1). Also called: VON RECKLINGHAUSEN DISEASE; Neurofibromatosis, type I; NEUROFIBROMATOSIS, TYPE I, SOMATIC; Peripheral type neurofibromatosis. Identifiers: Orphanet 636, MedGen C0027831, MONDO:0018975, OMIM 162200. Disease mechanism: loss of function.

Submissions (3):

Ambry Genetics
Classification: Uncertain significance for Cardiovascular phenotype; Hereditary cancer-predisposing syndrome. Last evaluated: 2026-05-20. Review status: criteria provided, single submitter. Criteria: Ambry Variant Classification Scheme 2023. Collection method: clinical testing. Allele origin: germline.
Comment: The p.P464L variant (also known as c.1391C>T), located in coding exon 12 of the NF1 gene, results from a C to T substitution at nucleotide position 1391. The proline at codon 464 is replaced by leucine, an amino acid with similar properties. This amino acid position is not well conserved in available vertebrate species. In addition, this alteration is predicted to be tolerated by in silico analysis. Based on the available evidence, the clinical significance of this variant remains unclear.

Labcorp Genetics (formerly Invitae), Labcorp
Classification: Uncertain significance for Neurofibromatosis, type 1. Last evaluated: 2024-09-01. Review status: criteria provided, single submitter. Criteria: Invitae Variant Classification Sherloc (09022015). Collection method: clinical testing. Allele origin: germline.
Comment: This sequence change replaces proline, which is neutral and non-polar, with leucine, which is neutral and non-polar, at codon 464 of the NF1 protein (p.Pro464Leu). This variant is not present in population databases (gnomAD no frequency). This variant has not been reported in the literature in individuals affected with NF1-related conditions. ClinVar contains an entry for this variant (Variation ID: 568213). An algorithm developed to predict the effect of missense changes on protein structure and function (PolyPhen-2) suggests that this variant is likely to be tolerated. In summary, the available evidence is currently insufficient to determine the role of this variant in disease. Therefore, it has been classified as a Variant of Uncertain Significance.

Genome-Nilou Lab
Classification: Uncertain significance for Neurofibromatosis, type 1. Last evaluated: 2022-03-15. Review status: criteria provided, single submitter. Criteria: ACMG Guidelines, 2015. Collection method: clinical testing. Allele origin: germline. Affected: no.

NM_001042492.3(NF1):c.1391C>T (p.Pro464Leu)

Gene: NF1 (neurofibromin 1; plus strand). Cytogenetic location: 17q11.2.
Variant type: single nucleotide variant.
Coding change: c.1391C>T on transcript NM_001042492.3 (MANE Select); coding-DNA position 1391, C replaced by T.
Protein change: p.Pro464Leu; replaces proline 464 with leucine.
Molecular consequence: missense variant.
Genome position (GRCh38, 1-based): chr17:31,206,370, C>T. VCF-style: chr17-31206370-C-T. GRCh37 (hg19) VCF-style: chr17-29533388-C-T.
Other names: c.1391C>T, p.Pro464Leu (NM_000267.4, NM_001128147.3); short protein forms P464L.
Identifiers: ClinVar variation 568213 (VCV000568213.15), dbSNP rs1269425503, ClinGen allele CA398999954.